The following is an entry in ClinVar:

ClinVar aggregate classification (germline): Benign. Review status: criteria provided, multiple submitters, no conflicts (2 of 4 stars). 2 submissions from 2 submitters: Benign (2). Last evaluated 2019-04-19.

Allele frequency attached by ClinVar (database versions not stated): gnomAD exomes 0.11155 and 0.12377; ESP Exome Variant Server 0.12225; gnomAD 0.13973 and 0.14106; TOPMed 0.14117; 1000 Genomes Project 30x 0.14444; 1000 Genomes Project 0.14836; ExAC 0.17673.
gnomAD v4.1: 180,916 of 1,579,316 alleles (11%); highest among the groups gnomAD compares: East Asian, 21%; 11,085 homozygotes.

Submissions (2):

GeneDx
Classification: Benign. Last evaluated: 2019-04-19. Review status: criteria provided, single submitter. Criteria: GeneDx Variant Classification Process June 2021. Collection method: clinical testing. Allele origin: germline. Affected: yes.
Comment: This variant is associated with the following publications: (PMID: 30389748)

Breakthrough Genomics
Classification: Benign. Review status: criteria provided, single submitter. Criteria: ACMG Guidelines, 2015. Collection method: not provided. Allele origin: germline. Inheritance: Autosomal recessive inheritance. Affected: yes.

NM_000946.3(PRIM1):c.14A>C (p.Asp5Ala)

Gene: PRIM1 (DNA primase subunit 1; minus strand). Cytogenetic location: 12q13.3.
Variant type: single nucleotide variant.
Coding change: c.14A>C on transcript NM_000946.3 (MANE Select); coding-DNA position 14, A replaced by C.
Protein change: p.Asp5Ala; replaces aspartic acid 5 with alanine.
Molecular consequence: missense variant.
Genome position (GRCh38, 1-based): chr12:56,752,285, T>G on the plus strand (A>C on the coding strand, the complement: PRIM1 is on the minus strand). VCF-style: chr12-56752285-T-G. GRCh37 (hg19) VCF-style: chr12-57146069-T-G.
Other names: short protein forms D5A.
Identifiers: ClinVar variation 1242002 (VCV001242002.3), dbSNP rs2277339, ClinGen allele CA6637758.
Genomic context (GRCh38, chr12:56,752,285, plus strand): 5'-TGAGAGTAGGGAAAGAGCCTCCGGTAATAAAGTTTAAGCAGCTCGGGCAGCTCGGTGGGG[T>G]CAAACGTCTCCATTGAGCGCGGAACTCGCCACGGTAAGGATTACCACAGGAATTGGCGGG-3'
Protein context (NP_000937.1, residues 1-15): METF[Asp5Ala]PTELPELLKL